The following is an entry in ClinVar:

NC_000003.12:g.169764734A>G

Genes: TERC (telomerase RNA component; minus strand), LOC110806306 (telomerase RNA component (TERC) promoter; plus strand). Cytogenetic location: 3q26.2.
Variant type: single nucleotide variant.
Genome position: GRCh38 VCF-style: chr3-169764734-A-G. GRCh37 (hg19) VCF-style: chr3-169482522-A-G.
Identifiers: ClinVar variation 2130922 (VCV002130922.4), dbSNP rs1337845154, ClinGen allele CA436715039.

ClinVar aggregate classification (germline): Uncertain significance (1 of 4 stars; one submission).

Conditions:
Dyskeratosis congenita, autosomal dominant 1 (DKCA1). Also called: Dyskeratosis congenita Scoggins type. Identifiers: Orphanet 1775, MedGen C4551974, MONDO:0007485, OMIM 127550. Inheritance: Variable.

Submission:

Labcorp Genetics (formerly Invitae), Labcorp
Classification: Uncertain significance for Dyskeratosis congenita, autosomal dominant 1. Last evaluated: 2022-06-12. Review status: criteria provided, single submitter. Criteria: Invitae Variant Classification Sherloc (09022015). Collection method: clinical testing. Allele origin: germline.
Comment: In summary, the available evidence is currently insufficient to determine the role of this variant in disease. Therefore, it has been classified as a Variant of Uncertain Significance. This variant is located within the hypervariable region that is not conserved in the TERC RNA component (PMID: 10721988, 21844345). The functional significance of this region is not well understood. This variant has not been reported in the literature in individuals affected with TERC-related conditions. This variant is not present in population databases (gnomAD no frequency). This variant occurs in the TERC gene, which encodes an RNA molecule that does not result in a protein product.

Literature cited by the submitters: PubMed 10721988; PubMed 21844345.